The following is an entry in ClinVar:

NM_001046.3(SLC12A2):c.2894C>A (p.Ser965Tyr)

Gene: SLC12A2 (solute carrier family 12 member 2; plus strand). Cytogenetic location: 5q23.3.
Variant type: single nucleotide variant.
Coding change: c.2894C>A on transcript NM_001046.3 (MANE Select); coding-DNA position 2894, C replaced by A.
Protein change: p.Ser965Tyr; replaces serine 965 with tyrosine.
Molecular consequence: missense variant. On other transcripts: non-coding transcript variant (1).
Genome position (GRCh38, 1-based): chr5:128,174,631, C>A. VCF-style: chr5-128174631-C-A. GRCh37 (hg19) VCF-style: chr5-127510323-C-A.
Other names: c.2894C>A, p.Ser965Tyr (NM_001256461.2); c.2894C>A (NM_001046.2); short protein forms S965Y.
Identifiers: ClinVar variation 1941803 (VCV001941803.9), dbSNP rs529490835, ClinGen allele CA3393501.

ClinVar aggregate classification (germline): Conflicting classifications of pathogenicity. Review status: criteria provided, conflicting classifications (1 of 4 stars). 4 submissions from 4 submitters: Uncertain significance (3); Likely benign (1). Last evaluated 2025-10-22.

Conditions:
Kilquist syndrome (KILQS). Also called: SLC12A2-related autosomal recessive neonatal-developmental delay-intellectual disability-feeding difficulty-sensorineural deafness syndrome. Identifiers: Orphanet 633021, MedGen C5436756, MONDO:0033664, OMIM 619080.
Inborn genetic diseases. Identifiers: MedGen C0950123, MeSH D030342.

Allele frequency attached by ClinVar (database versions not stated): 1000 Genomes Project 0.00020; 1000 Genomes Project 30x 0.00031.
gnomAD v4.1: 56 of 1,605,732 alleles (0.0035%); highest among the groups gnomAD compares: South Asian, 0.061%; no homozygotes.

Submissions (4):

Ambry Genetics
Classification: Uncertain significance for Inborn genetic diseases. Last evaluated: 2025-10-22. Review status: criteria provided, single submitter. Criteria: Ambry Variant Classification Scheme 2023. Collection method: clinical testing. Allele origin: germline.

Labcorp Genetics (formerly Invitae), Labcorp
Classification: Uncertain significance. Last evaluated: 2025-02-24. Review status: criteria provided, single submitter. Criteria: Invitae Variant Classification Sherloc (09022015). Collection method: clinical testing. Allele origin: germline.
Comment: This sequence change replaces serine, which is neutral and polar, with tyrosine, which is neutral and polar, at codon 965 of the SLC12A2 protein (p.Ser965Tyr). This variant is present in population databases (rs529490835, gnomAD 0.03%). This variant has not been reported in the literature in individuals affected with SLC12A2-related conditions. ClinVar contains an entry for this variant (Variation ID: 1941803). Invitae Evidence Modeling of protein sequence and biophysical properties (such as structural, functional, and spatial information, amino acid conservation, physicochemical variation, residue mobility, and thermodynamic stability) indicates that this missense variant is not expected to disrupt SLC12A2 protein function with a negative predictive value of 95%. In summary, the available evidence is currently insufficient to determine the role of this variant in disease. Therefore, it has been classified as a Variant of Uncertain Significance.

3billion
Classification: Likely benign for Kilquist syndrome. Last evaluated: 2024-09-20. Review status: criteria provided, single submitter. Criteria: ACMG Guidelines, 2015. Collection method: clinical testing. Allele origin: germline. Affected: no.
Comment: The homozygous variant was found in patients diagnosed with another variant in a different gene, with no symptoms related to the gene containing the homozygous variant.

Genomic Medicine Center of Excellence, King Faisal Specialist Hospital and Research Centre
Classification: Uncertain significance for Kilquist syndrome. Last evaluated: 2024-04-04. Review status: criteria provided, single submitter. Criteria: ACMG Guidelines, 2015. Collection method: clinical testing. Allele origin: germline.